The following is an entry in ClinVar:

ClinVar aggregate classification (germline): Likely benign. Review status: criteria provided, multiple submitters, no conflicts (2 of 4 stars). 4 submissions from 4 submitters: Likely benign (4). Last evaluated 2026-09-01.

Allele frequency attached by ClinVar (database versions not stated): 1000 Genomes Project 0.00100; TOPMed 0.00107; 1000 Genomes Project 30x 0.00109.
gnomAD v4.1: 1,039 of 1,537,236 alleles (0.068%); highest among the groups gnomAD compares: African/African-American, 0.18%; 2 homozygotes.

Submissions (4):

CeGaT Center for Human Genetics Tuebingen
Classification: Likely benign. Last evaluated: 2026-09-01. Review status: criteria provided, single submitter. Criteria: CeGaT Center For Human Genetics Tuebingen Variant Classification Criteria Version 2. Collection method: clinical testing. Allele origin: germline. Affected: yes. Observed: 5 variant alleles.
Comment: PIEZO2: BP4, BP7

Labcorp Genetics (formerly Invitae), Labcorp
Classification: Likely benign. Last evaluated: 2025-10-26. Review status: criteria provided, single submitter. Criteria: Invitae Variant Classification Sherloc (09022015). Collection method: clinical testing. Allele origin: germline.

Blueprint Genetics
Classification: Likely benign. Last evaluated: 2024-11-26. Review status: criteria provided, single submitter. Criteria: ACMG Guidelines, 2015. Collection method: clinical testing. Allele origin: germline.

Breakthrough Genomics
Classification: Likely benign. Review status: criteria provided, single submitter. Criteria: ACMG Guidelines, 2015. Collection method: not provided. Allele origin: germline. Inheritance: Autosomal recessive inheritance. Affected: yes.

NM_001378183.1(PIEZO2):c.5916C>T (p.Asp1972=)

Gene: PIEZO2 (piezo type mechanosensitive ion channel component 2; minus strand). Cytogenetic location: 18p11.22.
Variant type: single nucleotide variant.
Coding change: c.5916C>T on transcript NM_001378183.1 (MANE Select); coding-DNA position 5916, C replaced by T.
Protein change: p.Asp1972=; no amino-acid change (aspartic acid 1972 retained).
Molecular consequence: synonymous variant.
Genome position (GRCh38, 1-based): chr18:10,705,419, G>A on the plus strand (C>T on the coding strand, the complement: PIEZO2 is on the minus strand). VCF-style: chr18-10705419-G-A. GRCh37 (hg19) VCF-style: chr18-10705417-G-A.
Other names: c.5577C>T, p.Asp1859= (NM_022068.4).
Identifiers: ClinVar variation 728895 (VCV000728895.32), dbSNP rs529388684, ClinGen allele CA8892296.